The following is an entry in ClinVar:

ClinVar aggregate classification (germline): Uncertain significance. Review status: criteria provided, multiple submitters, no conflicts (2 of 4 stars). 2 submissions from 2 submitters: Uncertain significance (2). Last evaluated 2023-08-17.

Allele frequency attached by ClinVar (database versions not stated): gnomAD 0.00001.
gnomAD v4.1: 1 of 1,612,734 alleles (0.000062%); highest among the groups gnomAD compares: Non-Finnish European, 0.000085%; no homozygotes.

Submissions (2):

GeneDx
Classification: Uncertain significance. Last evaluated: 2023-08-17. Review status: criteria provided, single submitter. Criteria: GeneDx Variant Classification Process June 2021. Collection method: clinical testing. Allele origin: germline. Affected: yes.
Comment: Not observed at significant frequency in large population cohorts (gnomAD); Missense variant in a gene in which most reported pathogenic variants are truncating/loss of function; Has not been previously published as pathogenic or benign to our knowledge; Located in the A-band region of TTN in which the majority of loss of function variants have been associated with autosomal dominant titinopathies (Herman et al., 2012)

CeGaT Center for Human Genetics Tuebingen
Classification: Uncertain significance. Last evaluated: 2016-05-01. Review status: criteria provided, single submitter. Criteria: CeGaT Center For Human Genetics Tuebingen Variant Classification Criteria Version 2. Collection method: clinical testing. Allele origin: germline. Affected: yes. Observed: 1 variant allele.

NM_001267550.2(TTN):c.64675G>A (p.Ala21559Thr)

Genes: TTN-AS1 (TTN antisense RNA 1; plus strand), TTN (titin; minus strand). Cytogenetic location: 2q31.2.
Variant type: single nucleotide variant.
Coding change: c.64675G>A on transcript NM_001267550.2 (MANE Select); coding-DNA position 64675, G replaced by A.
Protein change: p.Ala21559Thr; replaces alanine 21559 with threonine.
Molecular consequence: missense variant. On other transcripts: non-coding transcript variant (1).
Genome position (GRCh38, 1-based): chr2:178,584,966, C>T on the plus strand (G>A on the coding strand, the complement: TTN is on the minus strand). VCF-style: chr2-178584966-C-T. GRCh37 (hg19) VCF-style: chr2-179449693-C-T.
Other names: c.64675G>A (NM_001267550.1); c.59752G>A, p.Ala19918Thr (NM_001256850.1); c.37480G>A, p.Ala12494Thr (NM_003319.4); c.56971G>A, p.Ala18991Thr (NM_133378.4); c.37855G>A, p.Ala12619Thr (NM_133432.3); c.38056G>A, p.Ala12686Thr (NM_133437.4); short protein forms A19918T, A12494T, A12686T, A21559T, A12619T, A18991T.
Identifiers: ClinVar variation 808967 (VCV000808967.43), dbSNP rs1182073050, ClinGen allele CA349438483.